The following is an entry in ClinVar:

ClinVar aggregate classification (germline): Uncertain significance. Review status: criteria provided, multiple submitters, no conflicts (2 of 4 stars). 2 submissions from 2 submitters: Uncertain significance (2). Last evaluated 2024-03-02.

Conditions:
POLD1-related polyposis and colorectal cancer syndrome (CRCS10). Also called: Colorectal cancer 10; Colorectal cancer, susceptibility to, 10; COLORECTAL CANCER, SUSCEPTIBILITY TO, ON CHROMOSOME 19q. Identifiers: Orphanet 220460, MedGen C2675481, MONDO:0012953, OMIM 612591.
Hereditary cancer-predisposing syndrome. Also called: Tumor predisposition; Hereditary Cancer Syndrome; Hereditary neoplastic syndrome; Neoplastic Syndromes, Hereditary. Identifiers: Orphanet 140162, MedGen C0027672, MeSH D009386, MONDO:0015356.

Submissions (2):

Ambry Genetics
Classification: Uncertain significance for Hereditary cancer-predisposing syndrome. Last evaluated: 2024-03-02. Review status: criteria provided, single submitter. Criteria: Ambry Variant Classification Scheme 2023. Collection method: clinical testing. Allele origin: germline.
Comment: The p.P208A variant (also known as c.622C>G), located in coding exon 5 of the POLD1 gene, results from a C to G substitution at nucleotide position 622. The proline at codon 208 is replaced by alanine, an amino acid with highly similar properties. This amino acid position is conserved. In addition, this alteration is predicted to be tolerated by in silico analysis. Based on the available evidence, the clinical significance of this alteration remains unclear.

Labcorp Genetics (formerly Invitae), Labcorp
Classification: Uncertain significance for POLD1-related polyposis and colorectal cancer syndrome. Last evaluated: 2023-08-24. Review status: criteria provided, single submitter. Criteria: Invitae Variant Classification Sherloc (09022015). Collection method: clinical testing. Allele origin: germline.
Comment: In summary, the available evidence is currently insufficient to determine the role of this variant in disease. Therefore, it has been classified as a Variant of Uncertain Significance. Advanced modeling of protein sequence and biophysical properties (such as structural, functional, and spatial information, amino acid conservation, physicochemical variation, residue mobility, and thermodynamic stability) performed at Invitae indicates that this missense variant is not expected to disrupt POLD1 protein function. This variant has not been reported in the literature in individuals affected with POLD1-related conditions. This variant is not present in population databases (gnomAD no frequency). This sequence change replaces proline, which is neutral and non-polar, with alanine, which is neutral and non-polar, at codon 208 of the POLD1 protein (p.Pro208Ala).

NM_002691.4(POLD1):c.622C>G (p.Pro208Ala)

Gene: POLD1 (DNA polymerase delta 1, catalytic subunit; plus strand). Cytogenetic location: 19q13.33.
Variant type: single nucleotide variant.
Coding change: c.622C>G on transcript NM_002691.4 (MANE Select); coding-DNA position 622, C replaced by G.
Protein change: p.Pro208Ala; replaces proline 208 with alanine.
Molecular consequence: missense variant. On other transcripts: non-coding transcript variant (1).
Genome position (GRCh38, 1-based): chr19:50,402,237, C>G. VCF-style: chr19-50402237-C-G. GRCh37 (hg19) VCF-style: chr19-50905494-C-G.
Other names: c.622C>G, p.Pro208Ala (NM_001256849.1, NM_001308632.1); c.622C>G (NM_002691.2); short protein forms P208A.
Identifiers: ClinVar variation 2754959 (VCV002754959.4), dbSNP rs2038674221, ClinGen allele CA406973942.